The following is an entry in ClinVar:

NM_000059.4(BRCA2):c.6075C>T (p.Leu2025=)

Gene: BRCA2 (BRCA2 DNA repair associated; plus strand). Cytogenetic location: 13q13.1.
Variant type: single nucleotide variant.
Coding change: c.6075C>T on transcript NM_000059.4 (MANE Select); coding-DNA position 6075, C replaced by T.
Protein change: p.Leu2025=; no amino-acid change (leucine 2025 retained).
Molecular consequence: synonymous variant.
Genome position (GRCh38, 1-based): chr13:32,340,430, C>T. VCF-style: chr13-32340430-C-T. GRCh37 (hg19) VCF-style: chr13-32914567-C-T.
Identifiers: ClinVar variation 764286 (VCV000764286.11), dbSNP rs1593907427, ClinGen allele CA483439141.

ClinVar aggregate classification (germline): Likely benign. Review status: criteria provided, multiple submitters, no conflicts (2 of 4 stars). 2 submissions from 2 submitters: Likely benign (2). Last evaluated 2023-12-18.

Conditions:
Hereditary breast ovarian cancer syndrome. Also called: Hereditary breast and ovarian cancer syndrome (HBOC); Hereditary breast and/or ovarian cancer syndrome; Hereditary breast and ovarian cancer syndrome; BRCA1- and BRCA2-Associated Hereditary Breast and Ovarian Cancer; Hereditary breast and ovarian cancer; Breast and ovarian cancer. Identifiers: Orphanet 145, MedGen C0677776, MeSH D061325, MONDO:0003582. Disease mechanism: loss of function.
Breast-ovarian cancer, familial, susceptibility to, 2 (BROVCA2). Also called: BRCA2 Hereditary Breast and Ovarian Cancer. Identifiers: Orphanet 145, MedGen C2675520, MONDO:0012933, OMIM 612555. Disease mechanism: loss of function.

Submissions (2):

All of Us Research Program, National Institutes of Health
Classification: Likely benign for Breast-ovarian cancer, familial, susceptibility to, 2. Last evaluated: 2023-12-18. Review status: criteria provided, single submitter. Criteria: ACMG Guidelines, 2015. Collection method: clinical testing. Allele origin: germline. Inheritance: Autosomal dominant inheritance. Observed: 1 variant allele, 1 heterozygote.
Comment: This study involves interpretation of variants in research participants for the purpose of population health screening. Participant phenotype was not available at the time of variant classification. Additional details can be found in publication PMID: 35346344, PMCID: PMC8962531

Labcorp Genetics (formerly Invitae), Labcorp
Classification: Likely benign for Hereditary breast ovarian cancer syndrome. Last evaluated: 2018-07-31. Review status: criteria provided, single submitter. Criteria: Invitae Variant Classification Sherloc (09022015). Collection method: clinical testing. Allele origin: germline.